The following is an entry in ClinVar:

ClinVar aggregate classification (germline): Pathogenic (1 of 4 stars; one submission).

Conditions:
Glycine encephalopathy. Also called: Nonketotic hyperglycinemia; Non-ketotic hyperglycinemia. Identifiers: Orphanet 407, MedGen C0751748, MONDO:0011612, HP:0008288.

Submission:

Women's Health and Genetics/Laboratory Corporation of America, LabCorp
Classification: Pathogenic for Glycine encephalopathy. Last evaluated: 2024-10-14. Review status: criteria provided, single submitter. Criteria: LabCorp Variant Classification Summary - May 2015. Collection method: clinical testing. Allele origin: germline.
Comment: Variant summary: GLDC c.675C>A (p.Cys225X) results in a premature termination codon, predicted to cause a truncation of the encoded protein or absence of the protein due to nonsense mediated decay, which are commonly known mechanisms for disease. The variant was absent in 251486 control chromosomes. To our knowledge, no occurrence of c.675C>A in individuals affected with Glycine Encephalopathy (Non-Ketotic Hyperglycinemia) and no experimental evidence demonstrating its impact on protein function have been reported. No submitters have cited clinical-significance assessments for this variant to ClinVar. Based on the evidence outlined above, the variant was classified as pathogenic.

NM_000170.3(GLDC):c.675C>A (p.Cys225Ter)

Gene: GLDC (glycine decarboxylase; minus strand). Cytogenetic location: 9p24.1.
Variant type: single nucleotide variant.
Coding change: c.675C>A on transcript NM_000170.3 (MANE Select); coding-DNA position 675, C replaced by A.
Protein change: p.Cys225Ter; replaces cysteine 225 with a stop codon.
Molecular consequence: nonsense.
Genome position (GRCh38, 1-based): chr9:6,606,630, G>T on the plus strand (C>A on the coding strand, the complement: GLDC is on the minus strand). VCF-style: chr9-6606630-G-T. GRCh37 (hg19) VCF-style: chr9-6606630-G-T.
Other names: short protein forms C225*.
Identifiers: ClinVar variation 3384719 (VCV003384719.1).